The following is an entry in ClinVar:

ClinVar aggregate classification (germline): Uncertain significance (1 of 4 stars; one submission).

Conditions:
Inborn genetic diseases. Identifiers: MedGen C0950123, MeSH D030342.

Submission:

Ambry Genetics
Classification: Uncertain significance for Inborn genetic diseases. Last evaluated: 2024-11-28. Review status: criteria provided, single submitter. Criteria: Ambry Variant Classification Scheme 2023. Collection method: clinical testing. Allele origin: germline.
Comment: The p.C1242R variant (also known as c.3724T>C), located in coding exon 33 of the RTEL1 gene, results from a T to C substitution at nucleotide position 3724. The cysteine at codon 1242 is replaced by arginine, an amino acid with highly dissimilar properties. This amino acid position is conserved. In addition, this alteration is predicted to be tolerated by in silico analysis. Based on the available evidence, the clinical significance of this variant remains unclear.

NM_001283009.2(RTEL1):c.3724T>C (p.Cys1242Arg)

Genes: RTEL1 (regulator of telomere elongation helicase 1; plus strand), RTEL1-TNFRSF6B (RTEL1-TNFRSF6B readthrough (NMD candidate); plus strand). Cytogenetic location: 20q13.33.
Variant type: single nucleotide variant.
Coding change: c.3724T>C on transcript NM_001283009.2 (MANE Select); coding-DNA position 3724, T replaced by C.
Protein change: p.Cys1242Arg; replaces cysteine 1242 with arginine.
Molecular consequence: missense variant. On other transcripts: non-coding transcript variant (1), intron variant (3).
Genome position (GRCh38, 1-based): chr20:63,695,552, T>C. VCF-style: chr20-63695552-T-C. GRCh37 (hg19) VCF-style: chr20-62326905-T-C.
Other names: c.2983+72T>C (NM_001283010.1); c.3724+72T>C (NM_032957.5); c.3652+72T>C (NM_016434.4); short protein forms C1242R.
Identifiers: ClinVar variation 3435992 (VCV003435992.1).